The following is an entry in ClinVar:

ClinVar aggregate classification (germline): Uncertain significance (1 of 4 stars; one submission).

Conditions:
Epileptic encephalopathy. Identifiers: MedGen C0543888, HP:0200134.

Allele frequency attached by ClinVar (database versions not stated): gnomAD exomes below 0.00001.
gnomAD v4.1: 4 of 1,550,224 alleles (0.00026%); highest among the groups gnomAD compares: South Asian, 0.0024%; 1 homozygote.

Submission:

Labcorp Genetics (formerly Invitae), Labcorp
Classification: Uncertain significance for Epileptic encephalopathy. Last evaluated: 2021-03-30. Review status: criteria provided, single submitter. Criteria: Invitae Variant Classification Sherloc (09022015). Collection method: clinical testing. Allele origin: germline.
Comment: In summary, the available evidence is currently insufficient to determine the role of this variant in disease. Therefore, it has been classified as a Variant of Uncertain Significance. Algorithms developed to predict the effect of missense changes on protein structure and function output the following: SIFT: "Tolerated"; PolyPhen-2: "Benign"; Align-GVGD: "Class C0". The lysine amino acid residue is found in multiple mammalian species, suggesting that this missense change does not adversely affect protein function. These predictions have not been confirmed by published functional studies and their clinical significance is uncertain. This variant has not been reported in the literature in individuals with FASN-related conditions. This variant is not present in population databases (ExAC no frequency). This sequence change replaces glutamic acid with lysine at codon 1521 of the FASN protein (p.Glu1521Lys). The glutamic acid residue is weakly conserved and there is a small physicochemical difference between glutamic acid and lysine.

NM_004104.5(FASN):c.4561G>A (p.Glu1521Lys)

Gene: FASN (fatty acid synthase; minus strand). Cytogenetic location: 17q25.3.
Variant type: single nucleotide variant.
Coding change: c.4561G>A on transcript NM_004104.5 (MANE Select); coding-DNA position 4561, G replaced by A.
Protein change: p.Glu1521Lys; replaces glutamic acid 1521 with lysine.
Molecular consequence: missense variant.
Genome position (GRCh38, 1-based): chr17:82,084,802, C>T on the plus strand (G>A on the coding strand, the complement: FASN is on the minus strand). VCF-style: chr17-82084802-C-T. GRCh37 (hg19) VCF-style: chr17-80042678-C-T.
Other names: short protein forms E1521K.
Identifiers: ClinVar variation 1381903 (VCV001381903.8), dbSNP rs2144788662, ClinGen allele CA401546187.